The following is an entry in ClinVar:

ClinVar aggregate classification (germline): Likely benign. Review status: criteria provided, multiple submitters, no conflicts (2 of 4 stars). 3 submissions from 3 submitters: Likely benign (2). 1 of the submissions does not count toward it. Last evaluated 2026-03-25.

Conditions:
FAT2-related disorder. Also called: FAT2-related condition.

Allele frequency attached by ClinVar (database versions not stated): gnomAD exomes 0.00001; ExAC 0.00013; TOPMed 0.00029; 1000 Genomes Project 30x 0.00031; gnomAD 0.00032; 1000 Genomes Project 0.00040; ESP Exome Variant Server 0.00046.
gnomAD v4.1: 66 of 1,614,172 alleles (0.0041%); highest among the groups gnomAD compares: African/African-American, 0.083%; no homozygotes.

Submissions (3):

Women's Health and Genetics/Laboratory Corporation of America, LabCorp
Classification: Likely benign. Last evaluated: 2026-03-25. Review status: criteria provided, single submitter. Criteria: LabCorp Variant Classification Summary - May 2015. Collection method: clinical testing. Allele origin: germline.

Labcorp Genetics (formerly Invitae), Labcorp
Classification: Likely benign. Last evaluated: 2025-09-16. Review status: criteria provided, single submitter. Criteria: Invitae Variant Classification Sherloc (09022015). Collection method: clinical testing. Allele origin: germline.

PreventionGenetics, part of Exact Sciences
Classification: Likely benign for FAT2-related condition. Last evaluated: 2021-02-08. Review status: no assertion criteria provided. Collection method: clinical testing. Allele origin: germline. Not counted in ClinVar's aggregate classification.
Comment: This variant is classified as likely benign based on ACMG/AMP sequence variant interpretation guidelines (Richards et al. 2015 PMID: 25741868, with internal and published modifications).

NM_001447.3(FAT2):c.2049C>T (p.Ile683=)

Gene: FAT2 (FAT atypical cadherin 2; minus strand). Cytogenetic location: 5q33.1.
Variant type: single nucleotide variant.
Coding change: c.2049C>T on transcript NM_001447.3 (MANE Select); coding-DNA position 2049, C replaced by T.
Protein change: p.Ile683=; no amino-acid change (isoleucine 683 retained).
Molecular consequence: synonymous variant.
Genome position (GRCh38, 1-based): chr5:151,566,883, G>A on the plus strand (C>T on the coding strand, the complement: FAT2 is on the minus strand). VCF-style: chr5-151566883-G-A. GRCh37 (hg19) VCF-style: chr5-150946444-G-A.
Other names: c.2049C>T (NM_001447.2).
Identifiers: ClinVar variation 2963920 (VCV002963920.6), dbSNP rs142348925, ClinGen allele CA3522148.